The following is an entry in ClinVar:

ClinVar aggregate classification (germline): Uncertain significance (1 of 4 stars; one submission).

Conditions:
Dilated cardiomyopathy 1O (CMD1O). Also called: CARDIOMYOPATHY, DILATED, WITH VENTRICULAR TACHYCARDIA. Identifiers: Orphanet 154, MedGen C1837839, MONDO:0012062, OMIM 608569.

Submission:

Labcorp Genetics (formerly Invitae), Labcorp
Classification: Uncertain significance for Dilated cardiomyopathy 1O. Last evaluated: 2024-07-25. Review status: criteria provided, single submitter. Criteria: Invitae Variant Classification Sherloc (09022015). Collection method: clinical testing. Allele origin: germline.
Comment: This sequence change falls in intron 22 of the ABCC9 gene. It does not directly change the encoded amino acid sequence of the ABCC9 protein. It affects a nucleotide within the consensus splice site. This variant is not present in population databases (gnomAD no frequency). This variant has not been reported in the literature in individuals affected with ABCC9-related conditions. Variants that disrupt the consensus splice site are a relatively common cause of aberrant splicing (PMID: 17576681, 9536098). Algorithms developed to predict the effect of sequence changes on RNA splicing suggest that this variant is not likely to affect RNA splicing. In summary, the available evidence is currently insufficient to determine the role of this variant in disease. Therefore, it has been classified as a Variant of Uncertain Significance.

Literature cited by the submitters: PubMed 17576681; PubMed 9536098.

NM_020297.4(ABCC9):c.2769+4A>G

Gene: ABCC9 (ATP binding cassette subfamily C member 9; minus strand). Cytogenetic location: 12p12.1.
Variant type: single nucleotide variant.
Coding change: c.2769+4A>G on transcript NM_020297.4 (MANE Select); 4 bases into the intron after coding-DNA position 2769, A replaced by G.
Molecular consequence: intron variant.
Genome position (GRCh38, 1-based): chr12:21,852,093, T>C on the plus strand (A>G on the coding strand, the complement: ABCC9 is on the minus strand). VCF-style: chr12-21852093-T-C. GRCh37 (hg19) VCF-style: chr12-22005027-T-C.
Other names: c.1902+4A>G (NM_001377274.1); c.2769+4A>G (NM_005691.4, NM_001377273.1).
Identifiers: ClinVar variation 2850646 (VCV002850646.3), dbSNP rs2541133543, ClinGen allele CA2739271895.
Genomic context (GRCh38, chr12:21,852,093, plus strand): 5'-TAATTAGTAAATTTCTAACTCTTCTGAATTGGGCTCTGAACTCTTCTGAACTATGAGCAC[T>C]TACCTTTTCTAATTCTTGATCTTGCCGATTCATAAGTGTTTTCCAGTGTTCATAAAGCTC-3'